The following is an entry in ClinVar:

NM_002299.4(LCT):c.1234G>T (p.Asp412Tyr)

Genes: LCT (lactase; minus strand), LOC126806353 (BRD4-independent group 4 enhancer GRCh37_chr2:136574960-136576159; plus strand). Cytogenetic location: 2q21.3.
Variant type: single nucleotide variant.
Coding change: c.1234G>T on transcript NM_002299.4 (MANE Select); coding-DNA position 1234, G replaced by T.
Protein change: p.Asp412Tyr; replaces aspartic acid 412 with tyrosine.
Molecular consequence: missense variant.
Genome position (GRCh38, 1-based): chr2:135,817,814, C>A on the plus strand (G>T on the coding strand, the complement: LCT is on the minus strand). VCF-style: chr2-135817814-C-A. GRCh37 (hg19) VCF-style: chr2-136575384-C-A.
Other names: short protein forms D412Y.
Identifiers: ClinVar variation 2126285 (VCV002126285.4), dbSNP rs2467231875, ClinGen allele CA348606611.
Genomic context (GRCh38, chr2:135,817,814, plus strand): 5'-TGTCGCTGGCCACCTCCAGCGTCGCTTGGCCCTCAGTGGTGTTCAGGGGCCTGCGTGGAT[C>A]CCAGATGCTCACCCCTCTCCCACCCTCGGCCCAGCCTCCTTCCACGTTAAAGGCTCCTGT-3'
Protein context (NP_002290.2, residues 402-422): AEGGRGVSIW[Asp412Tyr]PRRPLNTTEG

ClinVar aggregate classification (germline): Uncertain significance (1 of 4 stars; one submission).

Submission:

Labcorp Genetics (formerly Invitae), Labcorp
Classification: Uncertain significance. Last evaluated: 2023-10-13. Review status: criteria provided, single submitter. Criteria: Invitae Variant Classification Sherloc (09022015). Collection method: clinical testing. Allele origin: germline.
Comment: This sequence change replaces aspartic acid, which is acidic and polar, with tyrosine, which is neutral and polar, at codon 412 of the LCT protein (p.Asp412Tyr). This variant is not present in population databases (gnomAD no frequency). This variant has not been reported in the literature in individuals affected with LCT-related conditions. ClinVar contains an entry for this variant (Variation ID: 2126285). An algorithm developed to predict the effect of missense changes on protein structure and function (PolyPhen-2) suggests that this variant is likely to be disruptive. In summary, the available evidence is currently insufficient to determine the role of this variant in disease. Therefore, it has been classified as a Variant of Uncertain Significance.